The following is an entry in ClinVar:

NM_001369268.1(ACAN):c.7486A>G (p.Thr2496Ala)

Gene: ACAN (aggrecan; plus strand). Cytogenetic location: 15q26.1.
Variant type: single nucleotide variant.
Coding change: c.7486A>G on transcript NM_001369268.1 (MANE Select); coding-DNA position 7486, A replaced by G.
Protein change: p.Thr2496Ala; replaces threonine 2496 with alanine.
Molecular consequence: missense variant. On other transcripts: intron variant (1).
Genome position (GRCh38, 1-based): chr15:88,873,880, A>G. VCF-style: chr15-88873880-A-G. GRCh37 (hg19) VCF-style: chr15-89417111-A-G.
Other names: c.7220-525A>G (NM_001135.4); c.7258A>G, p.Thr2420Ala (NM_001411096.1); c.7372A>G, p.Thr2458Ala (NM_001411097.1, NM_013227.4); short protein forms T2420A, T2496A, T2458A.
Identifiers: ClinVar variation 3701380 (VCV003701380.2).

ClinVar aggregate classification (germline): Uncertain significance (1 of 4 stars; one submission).

gnomAD v4.1: 1 of 1,613,716 alleles (0.000062%); highest among the groups gnomAD compares: Non-Finnish European, 0.000085%; no homozygotes.

Submission:

Labcorp Genetics (formerly Invitae), Labcorp
Classification: Uncertain significance. Last evaluated: 2025-01-23. Review status: criteria provided, single submitter. Criteria: Invitae Variant Classification Sherloc (09022015). Collection method: clinical testing. Allele origin: germline.
Comment: This sequence change replaces threonine, which is neutral and polar, with alanine, which is neutral and non-polar, at codon 2458 of the ACAN protein (p.Thr2458Ala). This variant is not present in population databases (gnomAD no frequency). This variant has not been reported in the literature in individuals affected with ACAN-related conditions. An algorithm developed to predict the effect of missense changes on protein structure and function (PolyPhen-2) suggests that this variant is likely to be disruptive. In summary, the available evidence is currently insufficient to determine the role of this variant in disease. Therefore, it has been classified as a Variant of Uncertain Significance.